The following is an entry in ClinVar:

NM_015335.5(MED13L):c.3154C>T (p.Arg1052Ter)

Gene: MED13L (mediator complex subunit 13L; minus strand). Cytogenetic location: 12q24.21.
Variant type: single nucleotide variant.
Coding change: c.3154C>T on transcript NM_015335.5 (MANE Select); coding-DNA position 3154, C replaced by T.
Protein change: p.Arg1052Ter; replaces arginine 1052 with a stop codon.
Molecular consequence: nonsense.
Genome position (GRCh38, 1-based): chr12:115,991,800, G>A on the plus strand (C>T on the coding strand, the complement: MED13L is on the minus strand). VCF-style: chr12-115991800-G-A. GRCh37 (hg19) VCF-style: chr12-116429605-G-A.
Other names: short protein forms R1052*.
Identifiers: ClinVar variation 1172667 (VCV001172667.3), dbSNP rs2137307992, ClinGen allele CA386888859.

ClinVar aggregate classification (germline): Pathogenic/Likely pathogenic. Review status: criteria provided, multiple submitters, no conflicts (2 of 4 stars). 2 submissions from 2 submitters: Pathogenic (1); Likely pathogenic (1). Last evaluated 2025-01-23.

Conditions:
Cardiac anomalies - developmental delay - facial dysmorphism syndrome (MRFACD). Also called: MED13L Syndrome; Impaired intellectual development and distinctive facial features with or without cardiac defects. Identifiers: Orphanet 369891, MedGen C5192431, MONDO:0014773, OMIM 616789.
Intellectual disability. Also called: Intellectual functioning disability; intellectual disabilities; Intellectual developmental disorder. Identifiers: MedGen C3714756, MeSH D008607, MONDO:0001071, HP:0001249.

Submissions (2):

3billion
Classification: Pathogenic for Cardiac anomalies - developmental delay - facial dysmorphism syndrome. Last evaluated: 2025-01-23. Review status: criteria provided, single submitter. Criteria: ACMG Guidelines, 2015. Collection method: clinical testing. Allele origin: germline. Affected: yes.
Comment: The variant is not observed in the gnomAD v4.1.0 dataset. Predicted Consequence/Location: Stop-gained (nonsense): predicted to result in a loss or disruption of normal protein function through nonsense-mediated decay (NMD) or protein truncation. Multiple pathogenic variants are reported downstream of the variant. The variant has been previously reported as de novo in a similarly affected individual (PMID: 36368352). The variant has been reported to be associated with MED13L-related disorder (ClinVar ID: VCV001172667 /PMID: 36368352 /3billion dataset). Therefore, this variant is classified as Pathogenic according to the recommendation of ACMG/AMP guideline.

Equipe Genetique des Anomalies du Developpement, Université de Bourgogne
Classification: Likely pathogenic for Intellectual disability. Review status: criteria provided, single submitter. Criteria: ACMG Guidelines, 2015. Collection method: clinical testing. Allele origin: germline. Affected: yes.

Literature cited by the submitters: PubMed 36368352 (cited by 3billion).